The following is an entry in ClinVar:

NM_001845.6(COL4A1):c.4394A>C (p.Lys1465Thr)

Gene: COL4A1 (collagen type IV alpha 1 chain; minus strand). Cytogenetic location: 13q34.
Variant type: single nucleotide variant.
Coding change: c.4394A>C on transcript NM_001845.6 (MANE Select); coding-DNA position 4394, A replaced by C.
Protein change: p.Lys1465Thr; replaces lysine 1465 with threonine.
Molecular consequence: missense variant.
Genome position (GRCh38, 1-based): chr13:110,162,298, T>G on the plus strand (A>C on the coding strand, the complement: COL4A1 is on the minus strand). VCF-style: chr13-110162298-T-G. GRCh37 (hg19) VCF-style: chr13-110814645-T-G.
Other names: short protein forms K1465T.
Identifiers: ClinVar variation 3664333 (VCV003664333.2).
Genomic context (GRCh38, chr13:110,162,298, plus strand): 5'-TGGCCATGGGCCCGTTCATTGCCTTGCACGTAGAGCAAAGAGTACCCGTGGTAAAGAATT[T>G]TGGTCCCAGAAGGACACTGTGGGTCATCTATTGTTTGACTATGCCTGGTCACAAGGAAGC-3'
Protein context (NP_001836.3, residues 1455-1475): IDDPQCPSGT[Lys1465Thr]ILYHGYSLLY

ClinVar aggregate classification (germline): Uncertain significance (1 of 4 stars; one submission).

Submission:

Labcorp Genetics (formerly Invitae), Labcorp
Classification: Uncertain significance. Last evaluated: 2024-09-03. Review status: criteria provided, single submitter. Criteria: Invitae Variant Classification Sherloc (09022015). Collection method: clinical testing. Allele origin: germline.
Comment: This sequence change replaces lysine, which is basic and polar, with threonine, which is neutral and polar, at codon 1465 of the COL4A1 protein (p.Lys1465Thr). This variant is not present in population databases (gnomAD no frequency). This variant has not been reported in the literature in individuals affected with COL4A1-related conditions. Experimental studies and prediction algorithms are not available or were not evaluated, and the functional significance of this variant is currently unknown. In summary, the available evidence is currently insufficient to determine the role of this variant in disease. Therefore, it has been classified as a Variant of Uncertain Significance.